The following is an entry in ClinVar:

ClinVar aggregate classification (germline): Uncertain significance (1 of 4 stars; one submission).

Conditions:
Niemann-Pick disease, type C1. Also called: NIEMANN-PICK DISEASE, VARIANT TYPE C1; NEUROVISCERAL STORAGE DISEASE WITH VERTICAL SUPRANUCLEAR OPHTHALMOPLEGIA; NIEMANN-PICK DISEASE WITH CHOLESTEROL ESTERIFICATION BLOCK; NIEMANN-PICK DISEASE WITHOUT SPHINGOMYELINASE DEFICIENCY; NIEMANN-PICK DISEASE, CHRONIC NEURONOPATHIC FORM. Identifiers: Orphanet 646, MedGen C3179455, MONDO:0009757, OMIM 257220.

Submission:

Labcorp Genetics (formerly Invitae), Labcorp
Classification: Uncertain significance for Niemann-Pick disease, type C1. Last evaluated: 2024-09-23. Review status: criteria provided, single submitter. Criteria: Invitae Variant Classification Sherloc (09022015). Collection method: clinical testing. Allele origin: germline.
Comment: This sequence change replaces asparagine, which is neutral and polar, with aspartic acid, which is acidic and polar, at codon 106 of the NPC1 protein (p.Asn106Asp). This variant is not present in population databases (gnomAD no frequency). This variant has not been reported in the literature in individuals affected with NPC1-related conditions. ClinVar contains an entry for this variant (Variation ID: 1494603). Invitae Evidence Modeling of protein sequence and biophysical properties (such as structural, functional, and spatial information, amino acid conservation, physicochemical variation, residue mobility, and thermodynamic stability) has been performed for this missense variant. However, the output from this modeling did not meet the statistical confidence thresholds required to predict the impact of this variant on NPC1 protein function. In summary, the available evidence is currently insufficient to determine the role of this variant in disease. Therefore, it has been classified as a Variant of Uncertain Significance.

NM_000271.5(NPC1):c.316A>G (p.Asn106Asp)

Gene: NPC1 (NPC intracellular cholesterol transporter 1; minus strand). Cytogenetic location: 18q11.2.
Variant type: single nucleotide variant.
Coding change: c.316A>G on transcript NM_000271.5 (MANE Select); coding-DNA position 316, A replaced by G.
Protein change: p.Asn106Asp; replaces asparagine 106 with aspartic acid.
Molecular consequence: missense variant.
Genome position (GRCh38, 1-based): chr18:23,568,970, T>C on the plus strand (A>G on the coding strand, the complement: NPC1 is on the minus strand). VCF-style: chr18-23568970-T-C. GRCh37 (hg19) VCF-style: chr18-21148934-T-C.
Other names: short protein forms N106D.
Identifiers: ClinVar variation 1494603 (VCV001494603.6), dbSNP rs2145527323, ClinGen allele CA401785847.